The following is an entry in ClinVar:

NM_000393.5(COL5A2):c.4114-20_4114-19del

Gene: COL5A2 (collagen type V alpha 2 chain; minus strand). Cytogenetic location: 2q32.2.
Variant type: Deletion.
Coding change: c.4114-20_4114-19del on transcript NM_000393.5 (MANE Select); 20 bases into the intron before coding-DNA position 4114 through 19 bases into the intron before coding-DNA position 4114, 2 bases deleted (AA; older notation c.4114-20_4114-19delAA).
Molecular consequence: intron variant.
Genome position (GRCh38, 1-based): chr2:189,035,174-189,035,175, TT deleted on the plus strand (AA on the coding strand, the reverse complement: COL5A2 is on the minus strand); deleting any 2 consecutive bases within chr2:189,035,174-189,035,176 gives the same sequence; the c. name uses the placement nearest the transcript's 3' end. VCF-style (leftmost placement, unchanged base first): chr2-189035173-CTT-C. GRCh37 (hg19) VCF-style: chr2-189899899-CTT-C.
Other names: c.4114-20_4114-19delAA (NM_000393.5).
Identifiers: ClinVar variation 2712866 (VCV002712866.5), dbSNP rs757934485, ClinGen allele CA2021848.

ClinVar aggregate classification (germline): Conflicting classifications of pathogenicity. Review status: criteria provided, conflicting classifications (1 of 4 stars). 2 submissions from 2 submitters: Uncertain significance (1); Likely benign (1). Last evaluated 2026-05-01.

Conditions:
Ehlers-Danlos syndrome, classic type, 1 (EDSCL1). Also called: EHLERS-DANLOS SYNDROME, GRAVIS TYPE; EHLERS-DANLOS SYNDROME, SEVERE CLASSIC TYPE; Ehlers-Danlos syndrome, type 1; Ehlers-Danlos Syndrome, Classic Type, COL5A1-Related; EDS I. Identifiers: MedGen C0268335, MONDO:0019567, OMIM 130000.

Submissions (2):

Women's Health and Genetics/Laboratory Corporation of America, LabCorp
Classification: Uncertain significance. Last evaluated: 2026-05-01. Review status: criteria provided, single submitter. Criteria: LabCorp Variant Classification Summary - May 2015. Collection method: clinical testing. Allele origin: germline.
Comment: Variant summary: COL5A2 c.4114-20_4114-19delAA alters a nucleotide located at a position not widely known to affect splicing. Several computational tools predict a significant impact on normal splicing: Three predict the variant creates a 3' acceptor site. Four predict the variant no significant impact on splicing. One predict the variant abolishes a 3' acceptor site. However, these predictions have yet to be confirmed by functional studies. The variant allele was found at a frequency of 2e-05 in 250984 control chromosomes. The available data on variant occurrences in the general population are insufficient to allow any conclusion about variant significance. To our knowledge, no occurrence of c.4114-20_4114-19delAA in individuals affected with COL5A2-related conditions and no experimental evidence demonstrating its impact on protein function have been reported. ClinVar contains an entry for this variant (Variation ID: 2712866). Based on the evidence outlined above, the variant was classified as uncertain significance.

Labcorp Genetics (formerly Invitae), Labcorp
Classification: Likely benign for Ehlers-Danlos syndrome, classic type, 1. Last evaluated: 2025-12-21. Review status: criteria provided, single submitter. Criteria: Invitae Variant Classification Sherloc (09022015). Collection method: clinical testing. Allele origin: germline.